The following is an entry in ClinVar:

NM_006206.6(PDGFRA):c.1459C>A (p.Arg487Ser)

Gene: PDGFRA (platelet derived growth factor receptor alpha; plus strand). Cytogenetic location: 4q12.
Variant type: single nucleotide variant.
Coding change: c.1459C>A on transcript NM_006206.6 (MANE Select); coding-DNA position 1459, C replaced by A.
Protein change: p.Arg487Ser; replaces arginine 487 with serine.
Molecular consequence: missense variant.
Genome position (GRCh38, 1-based): chr4:54,273,631, C>A. VCF-style: chr4-54273631-C-A. GRCh37 (hg19) VCF-style: chr4-55139798-C-A.
Other names: c.1459C>A, p.Arg487Ser (NM_001347827.2, NM_001347829.2); c.1534C>A, p.Arg512Ser (NM_001347828.2); c.1498C>A, p.Arg500Ser (NM_001347830.2); short protein forms R487S, R500S, R512S.
Identifiers: ClinVar variation 407372 (VCV000407372.14), dbSNP rs763237825, ClinGen allele CA16611479.

ClinVar aggregate classification (germline): Uncertain significance. Review status: criteria provided, multiple submitters, no conflicts (2 of 4 stars). 2 submissions from 2 submitters: Uncertain significance (2). Last evaluated 2025-11-04.

Conditions:
Hereditary cancer-predisposing syndrome. Also called: Neoplastic Syndromes, Hereditary; Hereditary Cancer Syndrome; Hereditary neoplastic syndrome; Tumor predisposition. Identifiers: Orphanet 140162, MedGen C0027672, MeSH D009386, MONDO:0015356.
Gastrointestinal stromal tumor. Also called: Gastrointestinal stromal tumor, somatic; Gastrointestinal stroma tumor. Identifiers: Orphanet 44890, MedGen C0238198, MeSH D046152, MONDO:0011719, OMIM 606764, HP:0100723.

Allele frequency attached by ClinVar (database versions not stated): gnomAD 0.00001; TOPMed 0.00001.
gnomAD v4.1: 3 of 1,613,768 alleles (0.00019%); highest among the groups gnomAD compares: Non-Finnish European, 0.00017%; no homozygotes.

Submissions (2):

Labcorp Genetics (formerly Invitae), Labcorp
Classification: Uncertain significance for Gastrointestinal stromal tumor. Last evaluated: 2025-11-04. Review status: criteria provided, single submitter. Criteria: Invitae Variant Classification Sherloc (09022015). Collection method: clinical testing. Allele origin: germline.
Comment: This sequence change replaces arginine, which is basic and polar, with serine, which is neutral and polar, at codon 487 of the PDGFRA protein (p.Arg487Ser). This variant is not present in population databases (gnomAD no frequency). This variant has not been reported in the literature in individuals affected with PDGFRA-related conditions. ClinVar contains an entry for this variant (Variation ID: 407372). Invitae Evidence Modeling of protein sequence and biophysical properties (such as structural, functional, and spatial information, amino acid conservation, physicochemical variation, residue mobility, and thermodynamic stability) indicates that this missense variant is not expected to disrupt PDGFRA protein function with a negative predictive value of 80%. In summary, the available evidence is currently insufficient to determine the role of this variant in disease. Therefore, it has been classified as a Variant of Uncertain Significance.

Ambry Genetics
Classification: Uncertain significance for Hereditary cancer-predisposing syndrome. Last evaluated: 2025-08-22. Review status: criteria provided, single submitter. Criteria: Ambry Variant Classification Scheme 2023. Collection method: clinical testing. Allele origin: germline.
Comment: The p.R487S variant (also known as c.1459C>A), located in coding exon 9 of the PDGFRA gene, results from a C to A substitution at nucleotide position 1459. The arginine at codon 487 is replaced by serine, an amino acid with dissimilar properties. This amino acid position is poorly conserved in available vertebrate species. In addition, this alteration is predicted to be tolerated by in silico analysis. Since supporting evidence is limited at this time, the clinical significance of this alteration remains unclear.